The following is an entry in ClinVar:

NM_006393.3(NEBL):c.2144G>A (p.Ser715Asn)

Genes: NEBL (nebulette; minus strand), LOC126860875 (MED14-independent group 3 enhancer GRCh37_chr10:21105746-21106945; plus strand). Cytogenetic location: 10p12.31.
Variant type: single nucleotide variant.
Coding change: c.2144G>A on transcript NM_006393.3 (MANE Select); coding-DNA position 2144, G replaced by A.
Protein change: p.Ser715Asn; replaces serine 715 with asparagine.
Molecular consequence: missense variant. On other transcripts: intron variant (9).
Genome position (GRCh38, 1-based): chr10:20,817,604, C>T on the plus strand (G>A on the coding strand, the complement: NEBL is on the minus strand). VCF-style: chr10-20817604-C-T. GRCh37 (hg19) VCF-style: chr10-21106533-C-T.
Other names: c.250-4664G>A (NM_001377326.1, NM_001377327.1, NM_001377328.1); c.358-4664G>A (NM_213569.2, NM_001173484.2, NM_001377322.1); c.301-4664G>A (NM_001377324.1); c.292-4664G>A (NM_001377325.1); c.310-4664G>A (NM_001377323.1); short protein forms S715N.
Identifiers: ClinVar variation 1786632 (VCV001786632.2), dbSNP rs150676143, ClinGen allele CA204170419.

ClinVar aggregate classification (germline): Uncertain significance (1 of 4 stars; one submission).

Allele frequency attached by ClinVar (database versions not stated): gnomAD exomes below 0.00001; gnomAD 0.00001; TOPMed 0.00002; ESP Exome Variant Server 0.00008.
gnomAD v4.1: 7 of 1,609,776 alleles (0.00043%); highest among the groups gnomAD compares: African/African-American, 0.008%; no homozygotes.

Submission:

Ambry Genetics
Classification: Uncertain significance. Last evaluated: 2022-07-08. Review status: criteria provided, single submitter. Criteria: Ambry Variant Classification Scheme 2023. Collection method: clinical testing. Allele origin: germline.
Comment: The p.S715N variant (also known as c.2144G>A), located in coding exon 21 of the NEBL gene, results from a G to A substitution at nucleotide position 2144. The serine at codon 715 is replaced by asparagine, an amino acid with highly similar properties. This amino acid position is conserved. In addition, the in silico prediction for this alteration is inconclusive. Since supporting evidence is limited at this time, the clinical significance of this alteration remains unclear.